The following is an entry in ClinVar:

NM_001369.3(DNAH5):c.2844_2845del (p.Glu949fs)

Genes: DNAH5 (dynein axonemal heavy chain 5; minus strand), DNAH5-AS1 (DNAH5 antisense RNA 1; plus strand). Cytogenetic location: 5p15.2.
Variant type: Deletion.
Coding change: c.2844_2845del on transcript NM_001369.3 (MANE Select); coding-DNA positions 2844 to 2845, 2 bases deleted (TG; older notation c.2844_2845delTG).
Protein change: p.Glu949fs; shifts the reading frame from glutamic acid 949.
Molecular consequence: frameshift variant.
Genome position (GRCh38, 1-based): chr5:13,885,127-13,885,128, CA deleted on the plus strand (TG on the coding strand, the reverse complement: DNAH5 is on the minus strand). VCF-style (leftmost placement, unchanged base first): chr5-13885126-TCA-T. GRCh37 (hg19) VCF-style: chr5-13885235-TCA-T.
Other names: short protein forms E949fs.
Identifiers: ClinVar variation 2889481 (VCV002889481.3), dbSNP rs1772219649, ClinGen allele CA1073399961.

ClinVar aggregate classification (germline): Pathogenic (1 of 4 stars; one submission).

Conditions:
Primary ciliary dyskinesia. Also called: Ciliary dyskinesia. Identifiers: Orphanet 244, MedGen C0008780, MONDO:0016575, HP:0012265.

Allele frequency attached by ClinVar (database versions not stated): gnomAD exomes below 0.00001; gnomAD 0.00001.

Submission:

Labcorp Genetics (formerly Invitae), Labcorp
Classification: Pathogenic for Primary ciliary dyskinesia. Last evaluated: 2023-09-10. Review status: criteria provided, single submitter. Criteria: Invitae Variant Classification Sherloc (09022015). Collection method: clinical testing. Allele origin: germline.
Comment: For these reasons, this variant has been classified as Pathogenic. This variant has not been reported in the literature in individuals affected with DNAH5-related conditions. This variant is not present in population databases (gnomAD no frequency). This sequence change creates a premature translational stop signal (p.Glu949Aspfs*43) in the DNAH5 gene. It is expected to result in an absent or disrupted protein product. Loss-of-function variants in DNAH5 are known to be pathogenic (PMID: 11788826, 16627867).

Literature cited by the submitters: PubMed 11788826; PubMed 16627867.